The following is an entry in ClinVar:

NM_020066.5(FMN2):c.3789T>G (p.Leu1263=)

Gene: FMN2 (formin 2; plus strand). Cytogenetic location: 1q43.
Variant type: single nucleotide variant.
Coding change: c.3789T>G on transcript NM_020066.5 (MANE Select); coding-DNA position 3789, T replaced by G.
Protein change: p.Leu1263=; no amino-acid change (leucine 1263 retained).
Molecular consequence: synonymous variant. On other transcripts: intron variant (1).
Genome position (GRCh38, 1-based): chr1:240,208,601, T>G. VCF-style: chr1-240208601-T-G. GRCh37 (hg19) VCF-style: chr1-240371901-T-G.
Other names: c.3801T>G, p.Leu1267= (NM_001305424.2); c.1986+20339T>G (NM_001348094.2).
Identifiers: ClinVar variation 4821550 (VCV004821550.4).

ClinVar aggregate classification (germline): Likely benign (1 of 4 stars; one submission).

gnomAD v4.1: 2 of 1,613,868 alleles (0.00012%); highest among the groups gnomAD compares: Non-Finnish European, 0.00017%; no homozygotes.

Submission:

CeGaT Center for Human Genetics Tuebingen
Classification: Likely benign. Last evaluated: 2026-03-01. Review status: criteria provided, single submitter. Criteria: CeGaT Center For Human Genetics Tuebingen Variant Classification Criteria Version 2. Collection method: clinical testing. Allele origin: germline. Affected: yes. Observed: 1 variant allele.
Comment: FMN2: BP4, BP7